The following is an entry in ClinVar:

ClinVar aggregate classification (germline): Uncertain significance. Review status: criteria provided, multiple submitters, no conflicts (2 of 4 stars). 3 submissions from 3 submitters: Uncertain significance (3). Last evaluated 2025-06-10.

Conditions:
GNE myopathy (NM). Also called: MYOPATHY, DISTAL, WITH OR WITHOUT RIMMED VACUOLES; INCLUSION BODY MYOPATHY, HEREDITARY, AUTOSOMAL RECESSIVE; INCLUSION BODY MYOPATHY 2, AUTOSOMAL RECESSIVE; NONAKA DISTAL MYOPATHY; IBM 2; Inclusion body myopathy autosomal recessive. Identifiers: Orphanet 602, MedGen C1853926, MONDO:0011603, OMIM 605820.
Sialuria. Also called: Sialic Acid Storage Disease; SIALURIA, FRENCH TYPE. Identifiers: Orphanet 3166, MedGen C0342853, MONDO:0010028, OMIM 269921.

Allele frequency attached by ClinVar (database versions not stated): gnomAD 0.00001.
gnomAD v4.1: 4 of 1,611,124 alleles (0.00025%); highest among the groups gnomAD compares: Non-Finnish European, 0.00034%; no homozygotes.

Submissions (3):

Labcorp Genetics (formerly Invitae), Labcorp
Classification: Uncertain significance for Sialuria; GNE myopathy. Last evaluated: 2025-06-10. Review status: criteria provided, single submitter. Criteria: Invitae Variant Classification Sherloc (09022015). Collection method: clinical testing. Allele origin: germline.
Comment: This sequence change replaces aspartic acid, which is acidic and polar, with glutamic acid, which is acidic and polar, at codon 372 of the GNE protein (p.Asp372Glu). This variant is present in population databases (rs768446059, gnomAD 0.0009%). This variant has not been reported in the literature in individuals affected with GNE-related conditions. ClinVar contains an entry for this variant (Variation ID: 2432226). Invitae Evidence Modeling of protein sequence and biophysical properties (such as structural, functional, and spatial information, amino acid conservation, physicochemical variation, residue mobility, and thermodynamic stability) has been performed for this missense variant. However, the output from this modeling did not meet the statistical confidence thresholds required to predict the impact of this variant on GNE protein function. In summary, the available evidence is currently insufficient to determine the role of this variant in disease. Therefore, it has been classified as a Variant of Uncertain Significance.

Revvity Omics, Revvity
Classification: Uncertain significance. Last evaluated: 2019-06-04. Review status: criteria provided, single submitter. Criteria: ACMG Guidelines, 2015. Collection method: clinical testing. Allele origin: germline.

Blueprint Genetics
Classification: Uncertain significance. Last evaluated: 2017-11-24. Review status: criteria provided, single submitter. Criteria: ACMG Guidelines, 2015. Collection method: clinical testing. Allele origin: germline.

NM_005476.7(GNE):c.1023C>A (p.Asp341Glu)

Gene: GNE (glucosamine (UDP-N-acetyl)-2-epimerase/N-acetylmannosamine kinase; minus strand). Cytogenetic location: 9p13.3.
Variant type: single nucleotide variant.
Coding change: c.1023C>A on transcript NM_005476.7 (MANE Select); coding-DNA position 1023, C replaced by A.
Protein change: p.Asp341Glu; replaces aspartic acid 341 with glutamic acid.
Molecular consequence: missense variant.
Genome position (GRCh38, 1-based): chr9:36,229,068, G>T on the plus strand (C>A on the coding strand, the complement: GNE is on the minus strand). VCF-style: chr9-36229068-G-T. GRCh37 (hg19) VCF-style: chr9-36229065-G-T.
Other names: c.1116C>A, p.Asp372Glu (NM_001128227.3); c.1023C>A, p.Asp341Glu (NM_001190383.3); c.693C>A, p.Asp231Glu (NM_001190384.3); c.846C>A, p.Asp282Glu (NM_001190388.2, NM_001374798.1); c.870C>A, p.Asp290Glu (NM_001374797.1); short protein forms D231E, D282E, D290E, D341E, D372E.
Identifiers: ClinVar variation 2432226 (VCV002432226.5), dbSNP rs768446059, ClinGen allele CA5056596.
Genomic context (GRCh38, chr9:36,229,068, plus strand): 5'-GTTTTATACTCACCAAGGGTACTGTTTACCAAACTGAAGGTGCAGTGCTTGCAATATTTT[G>T]TCTTGGGTGTCAGCATCCCGGACATGAAGAACATTCTCCCCTAGGTAAAACCAGTGACAC-3'
Protein context (NP_005467.1, residues 331-351): VLHVRDADTQ[Asp341Glu]KILQALHLQF